The following is an entry in ClinVar:

ClinVar aggregate classification (germline): Uncertain significance (1 of 4 stars; one submission).

gnomAD v4.1: 6 of 1,613,128 alleles (0.00037%); highest among the groups gnomAD compares: African/African-American, 0.004%; no homozygotes.

Submission:

Labcorp Genetics (formerly Invitae), Labcorp
Classification: Uncertain significance. Last evaluated: 2024-07-20. Review status: criteria provided, single submitter. Criteria: Invitae Variant Classification Sherloc (09022015). Collection method: clinical testing. Allele origin: germline.
Comment: This sequence change replaces isoleucine, which is neutral and non-polar, with valine, which is neutral and non-polar, at codon 2923 of the TRRAP protein (p.Ile2923Val). This variant is not present in population databases (gnomAD no frequency). This variant has not been reported in the literature in individuals affected with TRRAP-related conditions. Advanced modeling of protein sequence and biophysical properties (such as structural, functional, and spatial information, amino acid conservation, physicochemical variation, residue mobility, and thermodynamic stability) performed at Invitae indicates that this missense variant is not expected to disrupt TRRAP protein function with a negative predictive value of 80%. In summary, the available evidence is currently insufficient to determine the role of this variant in disease. Therefore, it has been classified as a Variant of Uncertain Significance.

NM_001375524.1(TRRAP):c.8842A>G (p.Ile2948Val)

Gene: TRRAP (transformation/transcription domain associated protein; plus strand). Cytogenetic location: 7q22.1.
Variant type: single nucleotide variant.
Coding change: c.8842A>G on transcript NM_001375524.1 (MANE Select); coding-DNA position 8842, A replaced by G.
Protein change: p.Ile2948Val; replaces isoleucine 2948 with valine.
Molecular consequence: missense variant.
Genome position (GRCh38, 1-based): chr7:98,983,279, A>G. VCF-style: chr7-98983279-A-G. GRCh37 (hg19) VCF-style: chr7-98580902-A-G.
Other names: c.8821A>G, p.Ile2941Val (NM_001244580.2); c.8767A>G, p.Ile2923Val (NM_003496.4); short protein forms I2941V, I2923V, I2948V.
Identifiers: ClinVar variation 3639992 (VCV003639992.2).